The following is an entry in ClinVar:

ClinVar aggregate classification (germline): Uncertain significance. Review status: criteria provided, multiple submitters, no conflicts (2 of 4 stars). 6 submissions from 6 submitters: Uncertain significance (5). 1 of the submissions does not count toward it. Last evaluated 2024-07-30.

Conditions:
Autosomal recessive nonsyndromic hearing loss 77. Identifiers: Orphanet 90636, MedGen C2746083, MONDO:0013119, OMIM 613079.

Allele frequency attached by ClinVar (database versions not stated): ESP Exome Variant Server 0.00044; ExAC 0.00009; gnomAD exomes 0.00011; TOPMed 0.00013; gnomAD 0.00015 and 0.00017.
gnomAD v4.1: 285 of 1,552,224 alleles (0.018%); highest among the groups gnomAD compares: Non-Finnish European, 0.023%; no homozygotes.

Submissions (6):

Athena Diagnostics
Classification: Uncertain significance. Last evaluated: 2024-07-30. Review status: criteria provided, single submitter. Criteria: Athena Diagnostics Criteria. Collection method: clinical testing. Allele origin: unknown.
Comment: Available data are insufficient to determine the clinical significance of the variant at this time. The frequency of this variant in the general population is uninformative in assessment of its pathogenicity. Polyphen and MutationTaster yielded discordant predictions regarding whether this amino acid change is damaging to the protein.

Fulgent Genetics
Classification: Uncertain significance for Autosomal recessive nonsyndromic hearing loss 77. Last evaluated: 2022-01-04. Review status: criteria provided, single submitter. Criteria: ACMG Guidelines, 2015. Collection method: clinical testing. Allele origin: unknown.

Labcorp Genetics (formerly Invitae), Labcorp
Classification: Uncertain significance. Last evaluated: 2021-11-05. Review status: criteria provided, single submitter. Criteria: Invitae Variant Classification Sherloc (09022015). Collection method: clinical testing. Allele origin: germline.
Comment: This sequence change replaces arginine, which is basic and polar, with glutamine, which is neutral and polar, at codon 96 of the LOXHD1 protein (p.Arg96Gln). This variant is present in population databases (rs376467400, gnomAD 0.02%). This variant has not been reported in the literature in individuals affected with LOXHD1-related conditions. ClinVar contains an entry for this variant (Variation ID: 163939). Algorithms developed to predict the effect of missense changes on protein structure and function are either unavailable or do not agree on the potential impact of this missense change (SIFT: "Deleterious"; PolyPhen-2: "Not Available"; Align-GVGD: "Class C0"). Algorithms developed to predict the effect of sequence changes on RNA splicing suggest that this variant may create or strengthen a splice site. In summary, the available evidence is currently insufficient to determine the role of this variant in disease. Therefore, it has been classified as a Variant of Uncertain Significance.

Illumina Laboratory Services, Illumina
Classification: Uncertain significance for Autosomal recessive nonsyndromic hearing loss 77. Last evaluated: 2018-01-13. Review status: criteria provided, single submitter. Criteria: ICSL Variant Classification Criteria 13 December 2019. Collection method: clinical testing. Allele origin: germline.

Laboratory for Molecular Medicine, Mass General Brigham Personalized Medicine
Classification: Uncertain significance. Last evaluated: 2014-08-07. Review status: criteria provided, single submitter. Criteria: LMM Criteria. Collection method: clinical testing. Allele origin: germline. Observed: 1 variant allele.
Comment: The Arg96Gln variant in LOXHD1 has not been previously reported in individuals w ith hearing loss, but has been identified in 0.06% (2/3182) of European American chromosomes by the NHLBI Exome Sequencing Project (/EVS/; dbSNP rs376467400). Computational prediction tools and conservation anal ysis do not provide strong support for or against an impact to the protein. In s ummary, the clinical significance of the Arg96Gln variant is uncertain.

Natera, Inc.
Classification: Uncertain significance for Autosomal recessive deafness type 77. Last evaluated: 2020-01-17. Review status: no assertion criteria provided. Collection method: clinical testing. Allele origin: germline. Not counted in ClinVar's aggregate classification.

NM_001384474.1(LOXHD1):c.287G>A (p.Arg96Gln)

Gene: LOXHD1 (lipoxygenase homology PLAT domains 1; minus strand). Cytogenetic location: 18q21.1.
Variant type: single nucleotide variant.
Coding change: c.287G>A on transcript NM_001384474.1 (MANE Select); coding-DNA position 287, G replaced by A.
Protein change: p.Arg96Gln; replaces arginine 96 with glutamine.
Molecular consequence: missense variant.
Genome position (GRCh38, 1-based): chr18:46,641,995, C>T on the plus strand (G>A on the coding strand, the complement: LOXHD1 is on the minus strand). VCF-style: chr18-46641995-C-T. GRCh37 (hg19) VCF-style: chr18-44221958-C-T.
Other names: c.287G>A, p.Arg96Gln (NM_144612.7); short protein forms R96Q.
Identifiers: ClinVar variation 163939 (VCV000163939.14), dbSNP rs376467400, ClinGen allele CA176668.